The following is an entry in ClinVar:

NM_032447.5(FBN3):c.136C>T (p.Arg46Trp)

Gene: FBN3 (fibrillin 3; minus strand). Cytogenetic location: 19p13.2.
Variant type: single nucleotide variant.
Coding change: c.136C>T on transcript NM_032447.5 (MANE Select); coding-DNA position 136, C replaced by T.
Protein change: p.Arg46Trp; replaces arginine 46 with tryptophan.
Molecular consequence: missense variant.
Genome position (GRCh38, 1-based): chr19:8,147,345, G>A on the plus strand (C>T on the coding strand, the complement: FBN3 is on the minus strand). VCF-style: chr19-8147345-G-A. GRCh37 (hg19) VCF-style: chr19-8212229-G-A.
Other names: c.136C>T, p.Arg46Trp (NM_001321431.2); c.136C>T (NM_001321431.1); short protein forms R46W.
Identifiers: ClinVar variation 1608990 (VCV001608990.34), dbSNP rs142752628, ClinGen allele CA9153872.

ClinVar aggregate classification (germline): Benign. Review status: criteria provided, multiple submitters, no conflicts (2 of 4 stars). 4 submissions from 4 submitters: Benign (3). 1 of the submissions does not count toward it. Last evaluated 2026-02-02.

Conditions:
FBN3-related disorder. Also called: FBN3-related condition.

Allele frequency attached by ClinVar (database versions not stated): 1000 Genomes Project 30x 0.00375; 1000 Genomes Project 0.00399; TOPMed 0.00540; gnomAD 0.00589 and 0.00619; ESP Exome Variant Server 0.00625.
gnomAD v4.1: 13,978 of 1,600,696 alleles (0.87%); highest among the groups gnomAD compares: Middle Eastern, 1.9%; 84 homozygotes.

Submissions (4):

Labcorp Genetics (formerly Invitae), Labcorp
Classification: Benign. Last evaluated: 2026-02-02. Review status: criteria provided, single submitter. Criteria: Invitae Variant Classification Sherloc (09022015). Collection method: clinical testing. Allele origin: germline.

CeGaT Center for Human Genetics Tuebingen
Classification: Benign. Last evaluated: 2023-12-01. Review status: criteria provided, single submitter. Criteria: CeGaT Center For Human Genetics Tuebingen Variant Classification Criteria Version 2. Collection method: clinical testing. Allele origin: germline. Affected: yes. Observed: 2 variant alleles.
Comment: FBN3: BS1, BS2

Breakthrough Genomics
Classification: Benign. Review status: criteria provided, single submitter. Criteria: ACMG Guidelines, 2015. Collection method: not provided. Allele origin: germline. Inheritance: Unknown mechanism. Affected: yes.

PreventionGenetics, part of Exact Sciences
Classification: Benign for FBN3-related condition. Last evaluated: 2019-03-04. Review status: no assertion criteria provided. Collection method: clinical testing. Allele origin: germline. Not counted in ClinVar's aggregate classification.
Comment: This variant is classified as benign based on ACMG/AMP sequence variant interpretation guidelines (Richards et al. 2015 PMID: 25741868, with internal and published modifications).